The following is an entry in ClinVar:

ClinVar aggregate classification (germline): Uncertain significance (1 of 4 stars; one submission).

Conditions:
Developmental and epileptic encephalopathy, 18 (DEE18). Also called: Early infantile epileptic encephalopathy 18. Identifiers: Orphanet 369894, MedGen C3809624, MONDO:0014201, OMIM 615476.

Submission:

Victorian Clinical Genetics Services, Murdoch Childrens Research Institute
Classification: Uncertain significance for Developmental and epileptic encephalopathy, 18. Last evaluated: 2018-09-13. Review status: criteria provided, single submitter. Criteria: ACMG Guidelines, 2015. Collection method: clinical testing. Allele origin: maternal. Affected: yes. Observed: 2 variant alleles.
Comment: A heterozygous missense variant, NM_015284.3(SZT2):c.5408G>A, has been identified in exon 38 of 71 of the SZT2 gene. The variant is predicted to result in a moderate amino acid change from a glycine to an aspartate at position 1803 of the protein, NP_056099.3(SZT2):p.(Gly1803Asp). The glycine residue at this position has very high conservation (100 vertebrates, UCSC), but is not located within a well established functional domain. In silico predictions for this variant are consistently pathogenic (Polyphen, SIFT, CADD, Mutation Taster). The variant is absent in population databases (gnomAD, dbSNP, 1000G) and has not been previously reported in clinical cases. Based on the information available at the time of curation, this variant has been classified as VARIANT of UNCERTAIN SIGNIFICANCE (VUS) with POTENTIAL CLINICAL RELEVANCE.

NM_001365999.1(SZT2):c.5579G>A (p.Gly1860Asp)

Gene: SZT2 (SZT2 subunit of KICSTOR complex; plus strand). Cytogenetic location: 1p34.2.
Variant type: single nucleotide variant.
Coding change: c.5579G>A on transcript NM_001365999.1 (MANE Select); coding-DNA position 5579, G replaced by A.
Protein change: p.Gly1860Asp; replaces glycine 1860 with aspartic acid.
Molecular consequence: missense variant.
Genome position (GRCh38, 1-based): chr1:43,432,776, G>A. VCF-style: chr1-43432776-G-A. GRCh37 (hg19) VCF-style: chr1-43898447-G-A.
Other names: c.5408G>A, p.Gly1803Asp (NM_015284.4); short protein forms G1803D, G1860D.
Identifiers: ClinVar variation 870404 (VCV000870404.2), dbSNP rs1654050516, ClinGen allele CA340025733.